The following is an entry in ClinVar:

ClinVar aggregate classification (germline): Likely benign (1 of 4 stars; one submission).

Conditions:
Aromatase deficiency. Also called: Increased aromatase activity; PSEUDOHERMAPHRODITISM, FEMALE, DUE TO PLACENTAL AROMATASE DEFICIENCY. Identifiers: Orphanet 91, MedGen C1960539, MONDO:0013301, OMIM 613546.

Allele frequency attached by ClinVar (database versions not stated): TOPMed 0.00008; ExAC 0.00009; gnomAD 0.00009 and 0.00032; gnomAD exomes 0.00011 and 0.00090; 1000 Genomes Project 30x 0.00141; 1000 Genomes Project 0.00180.
gnomAD v4.1: 336 of 483,652 alleles (0.069%); highest among the groups gnomAD compares: East Asian, 1.7%; 7 homozygotes.

Submission:

Illumina Laboratory Services, Illumina
Classification: Likely benign for Aromatase deficiency. Last evaluated: 2018-01-13. Review status: criteria provided, single submitter. Criteria: ICSL Variant Classification Criteria 13 December 2019. Collection method: clinical testing. Allele origin: germline.
Comment: This variant was observed in the ICSL laboratory as part of a predisposition screen in an ostensibly healthy population. It had not been previously curated by ICSL or reported in the Human Gene Mutation Database (HGMD: prior to June 1st, 2018), and was therefore a candidate for classification through an automated scoring system. Utilizing variant allele frequency, disease prevalence and penetrance estimates, and inheritance mode, an automated score was calculated to assess if this variant is too frequent to cause the disease. Based on the score and internal cut-off values, a variant classified as likely benign is not then subjected to further curation. The score for this variant resulted in a classification of likely benign for this disease.

NM_000103.4(CYP19A1):c.*460G>C

Genes: MIR4713HG (MIR4713 host gene; plus strand), CYP19A1 (cytochrome P450 family 19 subfamily A member 1; minus strand), PIRC66 (piwi-interacting RNA cluster 66; plus strand). Cytogenetic location: 15q21.2.
Variant type: single nucleotide variant.
Coding change: c.*460G>C on transcript NM_000103.4 (MANE Select); 460 bases downstream of the stop codon, G replaced by C.
Molecular consequence: 3 prime UTR variant.
Genome position (GRCh38, 1-based): chr15:51,210,348, C>G on the plus strand (G>C on the coding strand, the complement: CYP19A1 is on the minus strand). VCF-style: chr15-51210348-C-G. GRCh37 (hg19) VCF-style: chr15-51502545-C-G.
Other names: c.*460G>C (NM_001347248.1, NM_001347249.2, NM_001347250.2 and 7 more transcripts).
Identifiers: ClinVar variation 316462 (VCV000316462.5), dbSNP rs28757208, ClinGen allele CA7559726.
Genomic context (GRCh38, chr15:51,210,348, plus strand): 5'-CATTTCTCCAAAGACTATGAATGTTGCTTTTCCACCTCCACAGAAAACAAAATTAAAGTA[C>G]TTTAATTCACACTAGCAGGTGGGTTTGGCCCCAGGTACCCTGACATTGGCCTGGTCTTTC-3'